The following is an entry in ClinVar:

ClinVar aggregate classification (germline): Uncertain significance. Review status: criteria provided, multiple submitters, no conflicts (2 of 4 stars). 5 submissions from 5 submitters: Uncertain significance (4). 1 of the submissions does not count toward it. Last evaluated 2025-08-22.

Conditions:
MKS1-related disorder. Also called: MKS1-related condition; MKS1-related disorders. Identifiers: MedGen CN239382.
Bardet-Biedl syndrome 13 (BBS13). Identifiers: Orphanet 110, MedGen C2673873, MONDO:0014441, OMIM 615990.
Meckel syndrome, type 1 (MKS1). Also called: MECKEL-GRUBER SYNDROME, TYPE 1. Identifiers: Orphanet 564, MedGen C3714506, MONDO:0009571, OMIM 249000.
Joubert syndrome 28 (JBTS28). Identifiers: MedGen C4310705, MONDO:0014928, OMIM 617121.
Inborn genetic diseases. Identifiers: MedGen C0950123, MeSH D030342.
Joubert syndrome. Also called: JOUBERT-BOLTSHAUSER SYNDROME; Familial aplasia of the vermis. Identifiers: Orphanet 475, MedGen C5979921, MONDO:0018772.
Meckel-Gruber syndrome. Also called: GRUBER SYNDROME; DYSENCEPHALIA SPLANCHNOCYSTICA; Dysencephalia splachnocystica. Identifiers: Orphanet 564, MedGen C0265215, MONDO:0018921.

Allele frequency attached by ClinVar (database versions not stated): ExAC 0.00001; gnomAD 0.00001; gnomAD exomes 0.00001 and 0.00002; TOPMed 0.00005.
gnomAD v4.1: 12 of 1,613,968 alleles (0.00074%); highest among the groups gnomAD compares: African/African-American, 0.011%; no homozygotes.

Submissions (5):

Ambry Genetics
Classification: Uncertain significance for Inborn genetic diseases. Last evaluated: 2025-08-22. Review status: criteria provided, single submitter. Criteria: Ambry Variant Classification Scheme 2023. Collection method: clinical testing. Allele origin: germline.

Fulgent Genetics
Classification: Uncertain significance for Meckel syndrome, type 1; Bardet-Biedl syndrome 13; Joubert syndrome 28. Last evaluated: 2024-04-15. Review status: criteria provided, single submitter. Criteria: ACMG Guidelines, 2015. Collection method: clinical testing. Allele origin: germline.

GeneDx
Classification: Uncertain significance. Last evaluated: 2023-07-31. Review status: criteria provided, single submitter. Criteria: GeneDx Variant Classification Process June 2021. Collection method: clinical testing. Allele origin: germline. Affected: yes.
Comment: In silico analysis supports that this missense variant does not alter protein structure/function; Has not been previously published as pathogenic or benign to our knowledge

Labcorp Genetics (formerly Invitae), Labcorp
Classification: Uncertain significance for Joubert syndrome; Meckel-Gruber syndrome. Last evaluated: 2021-08-27. Review status: criteria provided, single submitter. Criteria: Invitae Variant Classification Sherloc (09022015). Collection method: clinical testing. Allele origin: germline.
Comment: This sequence change replaces methionine with valine at codon 509 of the MKS1 protein (p.Met509Val). The methionine residue is moderately conserved and there is a small physicochemical difference between methionine and valine. This variant is present in population databases (rs778890248, ExAC 0.01%). This variant has not been reported in the literature in individuals affected with MKS1-related conditions. Algorithms developed to predict the effect of missense changes on protein structure and function (SIFT, PolyPhen-2, Align-GVGD) all suggest that this variant is likely to be tolerated. Algorithms developed to predict the effect of sequence changes on RNA splicing suggest that this variant may create or strengthen a splice site. In summary, the available evidence is currently insufficient to determine the role of this variant in disease. Therefore, it has been classified as a Variant of Uncertain Significance.

PreventionGenetics, part of Exact Sciences
Classification: Uncertain significance for MKS1-related condition. Last evaluated: 2024-04-25. Review status: no assertion criteria provided. Collection method: clinical testing. Allele origin: germline. Not counted in ClinVar's aggregate classification.
Comment: The MKS1 c.1525A>G variant is predicted to result in the amino acid substitution p.Met509Val. To our knowledge, this variant has not been reported in the literature. This variant is reported in 0.019% of alleles in individuals of African descent in gnomAD. At this time, the clinical significance of this variant is uncertain due to the absence of conclusive functional and genetic evidence.

NM_017777.4(MKS1):c.1525A>G (p.Met509Val)

Gene: MKS1 (MKS transition zone complex subunit 1; minus strand). Cytogenetic location: 17q22.
Variant type: single nucleotide variant.
Coding change: c.1525A>G on transcript NM_017777.4 (MANE Select); coding-DNA position 1525, A replaced by G.
Protein change: p.Met509Val; replaces methionine 509 with valine.
Molecular consequence: missense variant. On other transcripts: synonymous variant (1).
Genome position (GRCh38, 1-based): chr17:58,206,346, T>C on the plus strand (A>G on the coding strand, the complement: MKS1 is on the minus strand). VCF-style: chr17-58206346-T-C. GRCh37 (hg19) VCF-style: chr17-56283707-T-C.
Other names: c.916A>G, p.Met306Val (NM_001321268.2); c.1442A>G, p.Asp481Gly (NM_001321269.2); c.1308A>G, p.Gly436= (NM_001330397.2); c.1525A>G (NM_017777.3); short protein forms M509V, D481G, M306V.
Identifiers: ClinVar variation 1393415 (VCV001393415.9), dbSNP rs778890248, ClinGen allele CA8669094.